The following is an entry in ClinVar:

ClinVar aggregate classification (germline): Uncertain significance. Review status: criteria provided, multiple submitters, no conflicts (2 of 4 stars). 2 submissions from 2 submitters: Uncertain significance (2). Last evaluated 2024-04-16.

Conditions:
Fabry disease. Also called: Fabry's disease; ALPHA-GALACTOSIDASE A DEFICIENCY; ANDERSON-FABRY DISEASE; Ceramide trihexosidosis; CERAMIDE TRIHEXOSIDASE DEFICIENCY; GLA DEFICIENCY. Identifiers: Orphanet 324, MedGen C0002986, MONDO:0010526, OMIM 301500, HP:0001071. Disease mechanism: Fabry disease is due to inactivating mutations in the X-linked GLA gene resulting in deficiency of the enzyme Alpha Galactosidase-A., loss of function.

Submissions (2):

All of Us Research Program, National Institutes of Health
Classification: Uncertain significance for Fabry disease. Last evaluated: 2024-04-16. Review status: criteria provided, single submitter. Criteria: ACMG Guidelines, 2015. Collection method: clinical testing. Allele origin: germline. Inheritance: X-linked inheritance. Observed: 1 variant allele, 1 heterozygote.
Comment: This missense variant replaces aspartic acid with tyrosine at codon 25 of the GLA protein. Computational prediction suggests that this variant may not impact protein structure and function (internally defined REVEL score threshold <= 0.5, PMID: 27666373). To our knowledge, functional studies have not been reported for this variant. This variant has not been reported in individuals affected with GLA-related disorders in the literature. This variant has not been identified in the general population by the Genome Aggregation Database (gnomAD). The available evidence is insufficient to determine the role of this variant in disease conclusively. Therefore, this variant is classified as a Variant of Uncertain Significance.

This study involves interpretation of variants in research participants for the purpose of population health screening. Participant phenotype was not available at the time of variant classification. Additional details can be found in publication PMID: 35346344, PMCID: PMC8962531

Labcorp Genetics (formerly Invitae), Labcorp
Classification: Uncertain significance for Fabry disease. Last evaluated: 2022-07-13. Review status: criteria provided, single submitter. Criteria: Invitae Variant Classification Sherloc (09022015). Collection method: clinical testing. Allele origin: germline.
Comment: In summary, the available evidence is currently insufficient to determine the role of this variant in disease. Therefore, it has been classified as a Variant of Uncertain Significance. Algorithms developed to predict the effect of missense changes on protein structure and function (SIFT, PolyPhen-2, Align-GVGD) all suggest that this variant is likely to be tolerated. This variant has not been reported in the literature in individuals affected with GLA-related conditions. This variant is not present in population databases (gnomAD no frequency). This sequence change replaces aspartic acid, which is acidic and polar, with tyrosine, which is neutral and polar, at codon 25 of the GLA protein (p.Asp25Tyr).

NM_000169.3(GLA):c.73G>T (p.Asp25Tyr)

Genes: RPL36A-HNRNPH2 (RPL36A-HNRNPH2 readthrough; plus strand), GLA (galactosidase alpha; minus strand). Cytogenetic location: Xq22.1.
Variant type: single nucleotide variant.
Coding change: c.73G>T on transcript NM_000169.3 (MANE Select); coding-DNA position 73, G replaced by T.
Protein change: p.Asp25Tyr; replaces aspartic acid 25 with tyrosine.
Molecular consequence: missense variant. On other transcripts: non-coding transcript variant (3), intron variant (2).
Genome position (GRCh38, 1-based): chrX:101,407,831, C>A on the plus strand (G>T on the coding strand, the complement: GLA is on the minus strand). VCF-style: chrX-101407831-C-A. GRCh37 (hg19) VCF-style: chrX-100662819-C-A.
Other names: c.73G>T, p.Asp25Tyr (NM_001406747.1, NM_001406748.1, NM_001406749.1); c.301-4105C>A (NM_001199973.2); c.178-4105C>A (NM_001199974.2); short protein forms D25Y.
Identifiers: ClinVar variation 1950317 (VCV001950317.6), dbSNP rs781788693, ClinGen allele CA413937576.